The following is an entry in ClinVar:

NM_000059.4(BRCA2):c.6094G>C (p.Ala2032Pro)

Gene: BRCA2 (BRCA2 DNA repair associated; plus strand). Cytogenetic location: 13q13.1.
Variant type: single nucleotide variant.
Coding change: c.6094G>C on transcript NM_000059.4 (MANE Select); coding-DNA position 6094, G replaced by C.
Protein change: p.Ala2032Pro; replaces alanine 2032 with proline.
Molecular consequence: missense variant.
Genome position (GRCh38, 1-based): chr13:32,340,449, G>C. VCF-style: chr13-32340449-G-C. GRCh37 (hg19) VCF-style: chr13-32914586-G-C.
Other names: c.6094G>C, p.Ala2032Pro (NM_001406719.1, NM_001406720.1); short protein forms A2032P.
Identifiers: ClinVar variation 1751523 (VCV001751523.4), dbSNP rs786203284, ClinGen allele CA387788070.
Genomic context (GRCh38, chr13:32,340,449, plus strand): 5'-TCCAAAGTATTGTTTAAAAGTAACGAACATTCAGACCAGCTCACAAGAGAAGAAAATACT[G>C]CTATACGTACTCCAGAACATTTAATATCCCAAAAAGGCTTTTCATATAATGTGGTAAATT-3'
Protein context (NP_000050.3, residues 2022-2042): SDQLTREENT[Ala2032Pro]IRTPEHLISQ

ClinVar aggregate classification (germline): Conflicting classifications of pathogenicity. Review status: criteria provided, conflicting classifications (1 of 4 stars). 2 submissions from 2 submitters: Uncertain significance (1); Likely benign (1). Last evaluated 2023-03-23.

Conditions:
Hereditary cancer-predisposing syndrome. Also called: Hereditary Cancer Syndrome; Hereditary neoplastic syndrome; Neoplastic Syndromes, Hereditary; Tumor predisposition. Identifiers: Orphanet 140162, MedGen C0027672, MeSH D009386, MONDO:0015356.

Submissions (2):

University of Washington Department of Laboratory Medicine, University of Washington
Classification: Likely benign for Hereditary cancer-predisposing syndrome. Last evaluated: 2023-03-23. Review status: criteria provided, single submitter. Criteria: Dines et al. (Genet Med. 2020). Collection method: curation. Allele origin: germline.
Comment: Missense variant in a coldspot region where missense variants are very unlikely to be pathogenic (PMID:31911673).

BRCA2 exon 11 coldspot. Reclassification based on statistical prior probability.

Ambry Genetics
Classification: Uncertain significance for Hereditary cancer-predisposing syndrome. Last evaluated: 2021-08-04. Review status: criteria provided, single submitter. Criteria: Ambry Variant Classification Scheme 2023. Collection method: clinical testing. Allele origin: germline.
Comment: The p.A2032P variant (also known as c.6094G>C), located in coding exon 10 of the BRCA2 gene, results from a G to C substitution at nucleotide position 6094. The alanine at codon 2032 is replaced by proline, an amino acid with highly similar properties. This amino acid position is poorly conserved in available vertebrate species. In addition, this alteration is predicted to be tolerated by in silico analysis. Since supporting evidence is limited at this time, the clinical significance of this alteration remains unclear.